The following is an entry in ClinVar:

NM_000089.4(COL1A2):c.3305G>T (p.Gly1102Val)

Gene: COL1A2 (collagen type I alpha 2 chain; plus strand). Cytogenetic location: 7q21.3.
Variant type: single nucleotide variant.
Coding change: c.3305G>T on transcript NM_000089.4 (MANE Select); coding-DNA position 3305, G replaced by T.
Protein change: p.Gly1102Val; replaces glycine 1102 with valine.
Molecular consequence: missense variant.
Genome position (GRCh38, 1-based): chr7:94,427,664, G>T. VCF-style: chr7-94427664-G-T. GRCh37 (hg19) VCF-style: chr7-94056976-G-T.
Other names: short protein forms G1102V.
Identifiers: ClinVar variation 3253585 (VCV003253585.2), dbSNP rs68063264.

ClinVar aggregate classification (germline): Pathogenic. Review status: criteria provided, multiple submitters, no conflicts (2 of 4 stars). 2 submissions from 2 submitters: Pathogenic (2). Last evaluated 2025-09-07.

Conditions:
Ehlers-Danlos syndrome, classic type, 1 (EDSCL1). Also called: EHLERS-DANLOS SYNDROME, GRAVIS TYPE; EHLERS-DANLOS SYNDROME, SEVERE CLASSIC TYPE; Ehlers-Danlos syndrome, type 1; Ehlers-Danlos Syndrome, Classic Type, COL5A1-Related; EDS I. Identifiers: MedGen C0268335, MONDO:0019567, OMIM 130000.
Osteogenesis imperfecta type I (OI1). Also called: OI, TYPE I; OSTEOGENESIS IMPERFECTA TARDA; OSTEOGENESIS IMPERFECTA WITH BLUE SCLERAE; Osteogenesis imperfecta type 1; Lobstein's Disease; Lobstein disease. Identifiers: Orphanet 216796, Orphanet 666, MedGen C0023931, MONDO:0008146, OMIM 166200. Disease mechanism: loss of function.

Submissions (2):

Labcorp Genetics (formerly Invitae), Labcorp
Classification: Pathogenic for Osteogenesis imperfecta type I; Ehlers-Danlos syndrome, classic type, 1. Last evaluated: 2025-09-07. Review status: criteria provided, single submitter. Criteria: Invitae Variant Classification Sherloc (09022015). Collection method: clinical testing. Allele origin: germline.
Comment: This sequence change replaces glycine, which is neutral and non-polar, with valine, which is neutral and non-polar, at codon 1102 of the COL1A2 protein (p.Gly1102Val). This variant is not present in population databases (gnomAD no frequency). This missense change has been observed in individual(s) with osteogenesis imperfecta (PMID: 17078022). ClinVar contains an entry for this variant (Variation ID: 3253585). Invitae Evidence Modeling of protein sequence and biophysical properties (such as structural, functional, and spatial information, amino acid conservation, physicochemical variation, residue mobility, and thermodynamic stability) indicates that this missense variant is expected to disrupt COL1A2 protein function with a positive predictive value of 95%. This variant disrupts the triple helix domain of COL1A2. Glycine residues within the Gly-Xaa-Yaa repeats of the triple helix domain are required for the structure and stability of fibrillar collagens (PMID: 7695699, 8218237, 19344236). In COL1A2, variants affecting these glycine residues are significantly enriched in individuals with disease (PMID: 9016532, 17078022) compared to the general population (ExAC). For these reasons, this variant has been classified as Pathogenic.

GeneDx
Classification: Pathogenic. Last evaluated: 2023-06-20. Review status: criteria provided, single submitter. Criteria: GeneDx Variant Classification Process June 2021. Collection method: clinical testing. Allele origin: germline. Affected: yes.
Comment: Occurs in the triple helical domain and replaces a glycine in a canonical Gly-X-Y repeat; missense substitution of a canonical glycine residue is expected to disrupt normal protein folding and function, and this is an established mechanism of disease (PMID: 34007986); Not observed at significant frequency in large population cohorts (gnomAD); In silico analysis supports that this missense variant has a deleterious effect on protein structure/function; This variant is associated with the following publications: (PMID: 17078022, 21530898, 33939306, 32166892, 29499418, 34007986)

Literature cited by the submitters: PubMed 17078022 (cited by Labcorp Genetics (formerly Invitae), Labcorp); PubMed 7695699 (cited by Labcorp Genetics (formerly Invitae), Labcorp); PubMed 8218237 (cited by Labcorp Genetics (formerly Invitae), Labcorp); PubMed 19344236 (cited by Labcorp Genetics (formerly Invitae), Labcorp); PubMed 9016532 (cited by Labcorp Genetics (formerly Invitae), Labcorp).